The following is an entry in ClinVar:

NM_003334.4(UBA1):c.2750G>T (p.Arg917Leu)

Gene: UBA1 (ubiquitin like modifier activating enzyme 1; plus strand). Cytogenetic location: Xp11.3.
Variant type: single nucleotide variant.
Coding change: c.2750G>T on transcript NM_003334.4 (MANE Select); coding-DNA position 2750, G replaced by T.
Protein change: p.Arg917Leu; replaces arginine 917 with leucine.
Molecular consequence: missense variant.
Genome position (GRCh38, 1-based): chrX:47,213,093, G>T. VCF-style: chrX-47213093-G-T. GRCh37 (hg19) VCF-style: chrX-47072492-G-T.
Other names: c.2750G>T, p.Arg917Leu (NM_153280.3); short protein forms R917L.
Identifiers: ClinVar variation 650144 (VCV000650144.9), dbSNP rs782409785, ClinGen allele CA412810878.

ClinVar aggregate classification (germline): Uncertain significance. Review status: criteria provided, multiple submitters, no conflicts (2 of 4 stars). 2 submissions from 2 submitters: Uncertain significance (2). Last evaluated 2024-12-23.

Conditions:
Inborn genetic diseases. Identifiers: MedGen C0950123, MeSH D030342.
Infantile-onset X-linked spinal muscular atrophy. Also called: Spinal Muscular Atrophy, X-Linked Infantile; SPINAL MUSCULAR ATROPHY, X-LINKED LETHAL INFANTILE; AMC, DISTAL, X-LINKED; ARTHROGRYPOSIS, X-LINKED, TYPE I; Spinal muscular atrophy, X-linked 2. Identifiers: Orphanet 1145, MedGen C1844934, MONDO:0010532, OMIM 301830.

gnomAD v4.1: 3 of 1,211,902 alleles (0.00025%); highest among the groups gnomAD compares: Non-Finnish European, 0.00033%; no homozygotes.

Submissions (2):

Ambry Genetics
Classification: Uncertain significance for Inborn genetic diseases. Last evaluated: 2024-12-23. Review status: criteria provided, single submitter. Criteria: Ambry Variant Classification Scheme 2023. Collection method: clinical testing. Allele origin: germline.

Labcorp Genetics (formerly Invitae), Labcorp
Classification: Uncertain significance for Infantile-onset X-linked spinal muscular atrophy. Last evaluated: 2024-01-17. Review status: criteria provided, single submitter. Criteria: Invitae Variant Classification Sherloc (09022015). Collection method: clinical testing. Allele origin: germline.
Comment: This sequence change replaces arginine, which is basic and polar, with leucine, which is neutral and non-polar, at codon 917 of the UBA1 protein (p.Arg917Leu). This variant is not present in population databases (gnomAD no frequency). This variant has not been reported in the literature in individuals affected with UBA1-related conditions. ClinVar contains an entry for this variant (Variation ID: 650144). An algorithm developed to predict the effect of missense changes on protein structure and function (PolyPhen-2) suggests that this variant is likely to be tolerated. In summary, the available evidence is currently insufficient to determine the role of this variant in disease. Therefore, it has been classified as a Variant of Uncertain Significance.